The following is an entry in ClinVar:

ClinVar aggregate classification (germline): Conflicting classifications of pathogenicity. Review status: criteria provided, conflicting classifications (1 of 4 stars). 3 submissions from 3 submitters: Likely pathogenic (1); Benign (1); Likely benign (1). Last evaluated 2021-07-31.

Conditions:
GRACILE syndrome (FLNMS). Also called: FELLMAN SYNDROME; FINNISH LETHAL NEONATAL METABOLIC SYNDROME. Identifiers: Orphanet 53693, MedGen C1864002, MONDO:0011308, OMIM 603358.

Allele frequency attached by ClinVar (database versions not stated): gnomAD exomes below 0.00001 and 0.00001; ExAC 0.00002.
gnomAD v4.1: 1 of 1,614,160 alleles (0.000062%); highest among the groups gnomAD compares: Non-Finnish European, 0.000085%; no homozygotes.

Submissions (3):

Labcorp Genetics (formerly Invitae), Labcorp
Classification: Likely pathogenic. Last evaluated: 2021-07-31. Review status: criteria provided, single submitter. Criteria: Invitae Variant Classification Sherloc (09022015). Collection method: clinical testing. Allele origin: germline.
Comment: In summary, the currently available evidence indicates that the variant is pathogenic, but additional data are needed to prove that conclusively. Therefore, this variant has been classified as Likely Pathogenic. Advanced modeling of protein sequence and biophysical properties (such as structural, functional, and spatial information, amino acid conservation, physicochemical variation, residue mobility, and thermodynamic stability) performed at Invitae indicates that this missense variant is expected to disrupt BCS1L protein function. ClinVar contains an entry for this variant (Variation ID: 214157). This missense change has been observed in individuals with mitochondrial complex III deficiency (PMID: 26563427). This variant is present in population databases (rs755305281, ExAC 0.003%). This sequence change replaces methionine with valine at codon 48 of the BCS1L protein (p.Met48Val). The methionine residue is highly conserved and there is a small physicochemical difference between methionine and valine.

Mendelics
Classification: Benign for GRACILE syndrome. Last evaluated: 2019-05-28. Review status: criteria provided, single submitter. Criteria: Mendelics Assertion Criteria 2017. Collection method: clinical testing. Allele origin: unknown.

GeneDx
Classification: Likely benign. Last evaluated: 2013-05-20. Review status: criteria provided, single submitter. Criteria: GeneDx Variant Classification (06012015). Collection method: clinical testing. Allele origin: germline. Affected: yes.
Comment: This variant is considered likely benign or benign based on one or more of the following criteria: it is a conservative change, it occurs at a poorly conserved position in the protein, it is predicted to be benign by multiple in silico algorithms, and/or has population frequency not consistent with disease.

Literature cited by the submitters: PubMed 26563427 (cited by Labcorp Genetics (formerly Invitae), Labcorp).

NM_001079866.2(BCS1L):c.142A>G (p.Met48Val)

Gene: BCS1L (BCS1 ubiquinol-cytochrome c reductase complex chaperone; plus strand). Cytogenetic location: 2q35.
Variant type: single nucleotide variant.
Coding change: c.142A>G on transcript NM_001079866.2 (MANE Select); coding-DNA position 142, A replaced by G.
Protein change: p.Met48Val; replaces methionine 48 with valine.
Molecular consequence: missense variant. On other transcripts: 5 prime UTR variant (5), non-coding transcript variant (1), intron variant (3).
Genome position (GRCh38, 1-based): chr2:218,661,129, A>G. VCF-style: chr2-218661129-A-G. GRCh37 (hg19) VCF-style: chr2-219525852-A-G.
Other names: p.M48V:ATG>GTG; c.142A>G, p.Met48Val (NM_001257342.2, NM_001257343.2, NM_001257344.2 and 10 more transcripts); c.-335A>G (NM_001371453.1, NM_001371454.1, NM_001371455.1 and 2 more transcripts); c.-40-277A>G (NM_001371451.1, NM_001318836.2); c.-41-630A>G (NM_001371452.1); short protein forms M48V.
Identifiers: ClinVar variation 214157 (VCV000214157.7), dbSNP rs755305281, ClinGen allele CA321344.